The following is an entry in ClinVar:

ClinVar aggregate classification (germline): Conflicting classifications of pathogenicity. Review status: criteria provided, conflicting classifications (1 of 4 stars). 2 submissions from 2 submitters: Uncertain significance (1); Likely benign (1). Last evaluated 2025-08-21.

Conditions:
Inborn genetic diseases. Identifiers: MedGen C0950123, MeSH D030342.

gnomAD v4.1: 4 of 1,611,008 alleles (0.00025%); highest among the groups gnomAD compares: African/African-American, 0.0053%; no homozygotes.

Submissions (2):

Ambry Genetics
Classification: Uncertain significance for Inborn genetic diseases. Last evaluated: 2025-08-21. Review status: criteria provided, single submitter. Criteria: Ambry Variant Classification Scheme 2023. Collection method: clinical testing. Allele origin: germline.
Comment: The p.S23N variant (also known as c.68G>A), located in coding exon 1 of the ANKRD26 gene, results from a G to A substitution at nucleotide position 68. The serine at codon 23 is replaced by asparagine, an amino acid with highly similar properties. This amino acid position is conserved. In addition, this alteration is predicted to be tolerated by in silico analysis. Based on the available evidence, the clinical significance of this variant remains unclear.

Blueprint Genetics
Classification: Likely benign. Last evaluated: 2022-11-12. Review status: criteria provided, single submitter. Criteria: ACMG Guidelines, 2015. Collection method: clinical testing. Allele origin: germline.

NM_014915.3(ANKRD26):c.68G>A (p.Ser23Asn)

Genes: ANKRD26 (ankyrin repeat domain 26; minus strand), LOC130003554 (ATAC-STARR-seq lymphoblastoid silent region 2243; plus strand). Cytogenetic location: 10p12.1.
Variant type: single nucleotide variant.
Coding change: c.68G>A on transcript NM_014915.3 (MANE Select); coding-DNA position 68, G replaced by A.
Protein change: p.Ser23Asn; replaces serine 23 with asparagine.
Molecular consequence: missense variant.
Genome position (GRCh38, 1-based): chr10:27,100,259, C>T on the plus strand (G>A on the coding strand, the complement: ANKRD26 is on the minus strand). VCF-style: chr10-27100259-C-T. GRCh37 (hg19) VCF-style: chr10-27389188-C-T.
Other names: c.68G>A, p.Ser23Asn (NM_001256053.2); short protein forms S23N.
Identifiers: ClinVar variation 4104395 (VCV004104395.2).
Genomic context (GRCh38, chr10:27,100,259, plus strand): 5'-CGGACGTGGTAGCCGGGCTGCGAGTAGGCGCCCTCCCCCGGCTCGCCCCCGCCTCCCGCG[C>T]TGCTCCTCTGCCGCCGCGCGAAGGAGCCCAAGGGCGACTCGCCCTTCTTACTAAAAATCT-3'
Protein context (NP_055730.2, residues 13-33): LGSFARRQRS[Ser23Asn]AGGGGEPGEG